The following is an entry in ClinVar:

NM_000535.7(PMS2):c.771G>C (p.Leu257Phe)

Gene: PMS2 (PMS1 homolog 2, mismatch repair system component; minus strand). Cytogenetic location: 7p22.1.
Variant type: single nucleotide variant.
Coding change: c.771G>C on transcript NM_000535.7 (MANE Select); coding-DNA position 771, G replaced by C.
Protein change: p.Leu257Phe; replaces leucine 257 with phenylalanine.
Molecular consequence: missense variant. On other transcripts: non-coding transcript variant (1), 5 prime UTR variant (2).
Genome position (GRCh38, 1-based): chr7:5,997,358, C>G on the plus strand (G>C on the coding strand, the complement: PMS2 is on the minus strand). VCF-style: chr7-5997358-C-G. GRCh37 (hg19) VCF-style: chr7-6036989-C-G.
Other names: c.603G>C, p.Leu201Phe (NM_001406874.1, NM_001406884.1); c.462G>C, p.Leu154Phe (NM_001406875.1, NM_001406877.1, NM_001406878.1 and 6 more transcripts); c.453G>C, p.Leu151Phe (NM_001406876.1, NM_001406883.1, NM_001406901.1 and 4 more transcripts); c.435G>C, p.Leu145Phe (NM_001406885.1); c.366G>C, p.Leu122Phe (NM_001406887.1, NM_001406888.1, NM_001406889.1 and 20 more transcripts); c.258G>C, p.Leu86Phe (NM_001406904.1, NM_001406905.1); c.198G>C, p.Leu66Phe (NM_001406909.1, NM_001322013.2); c.771G>C, p.Leu257Phe (NM_001406912.1, NM_001322006.2, NM_001322014.2 and 3 more transcripts); and 4 more; short protein forms L122F, L145F, L257F, L201F, L221F, L86F, L154F, L265F.
Identifiers: ClinVar variation 1760306 (VCV001760306.2), dbSNP rs746652254, ClinGen allele CA366743669.

ClinVar aggregate classification (germline): Uncertain significance (1 of 4 stars; one submission).

Conditions:
Hereditary cancer-predisposing syndrome. Also called: Neoplastic Syndromes, Hereditary; Tumor predisposition; Hereditary Cancer Syndrome; Hereditary neoplastic syndrome. Identifiers: Orphanet 140162, MedGen C0027672, MeSH D009386, MONDO:0015356.

Submission:

Ambry Genetics
Classification: Uncertain significance for Hereditary cancer-predisposing syndrome. Last evaluated: 2021-11-15. Review status: criteria provided, single submitter. Criteria: Ambry Variant Classification Scheme 2023. Collection method: clinical testing. Allele origin: germline.
Comment: The p.L257F variant (also known as c.771G>C), located in coding exon 7 of the PMS2 gene, results from a G to C substitution at nucleotide position 771. The leucine at codon 257 is replaced by phenylalanine, an amino acid with highly similar properties. This amino acid position is highly conserved in available vertebrate species. In addition, the in silico prediction for this alteration is inconclusive. Since supporting evidence is limited at this time, the clinical significance of this alteration remains unclear.